The following is an entry in ClinVar:

ClinVar aggregate classification (germline): Uncertain significance (1 of 4 stars; one submission).

Conditions:
INPP5E-related disorder. Also called: INPP5E-related condition.

gnomAD v4.1: 1 of 1,610,554 alleles (0.000062%); highest among the groups gnomAD compares: Non-Finnish European, 0.000085%; no homozygotes.

Submission:

PreventionGenetics, part of Exact Sciences
Classification: Uncertain significance for INPP5E-related condition. Last evaluated: 2025-07-26. Review status: criteria provided, single submitter. Criteria: ACMG Guidelines, 2015. Collection method: clinical testing. Allele origin: germline.
Comment: The INPP5E c.1557C>T variant is not predicted to result in an amino acid change (p.=). This variant is predicted to alter splicing based on available splicing prediction programs (SpliceAI, Jaganathan et al. 2019. PubMed ID: 30661751). However, the use of computer prediction programs is not equivalent to functional evidence. To our knowledge, this variant has not been reported in the literature or in a large population database (gnomAD), indicating this variant is rare. At this time, the clinical significance of this variant is uncertain due to the absence of conclusive functional and genetic evidence.

NM_019892.6(INPP5E):c.1557C>T (p.Ile519=)

Gene: INPP5E (inositol polyphosphate-5-phosphatase E; minus strand). Cytogenetic location: 9q34.3.
Variant type: single nucleotide variant.
Coding change: c.1557C>T on transcript NM_019892.6 (MANE Select); coding-DNA position 1557, C replaced by T.
Protein change: p.Ile519=; no amino-acid change (isoleucine 519 retained).
Molecular consequence: synonymous variant.
Genome position (GRCh38, 1-based): chr9:136,431,110, G>A on the plus strand (C>T on the coding strand, the complement: INPP5E is on the minus strand). VCF-style: chr9-136431110-G-A. GRCh37 (hg19) VCF-style: chr9-139325562-G-A.
Other names: c.1554C>T, p.Ile518= (NM_001318502.2).
Identifiers: ClinVar variation 4983482 (VCV004983482.1).